The following is an entry in ClinVar:

ClinVar aggregate classification (germline): Uncertain significance (1 of 4 stars; one submission).

Allele frequency attached by ClinVar (database versions not stated): TOPMed below 0.00001.

Submission:

Labcorp Genetics (formerly Invitae), Labcorp
Classification: Uncertain significance. Last evaluated: 2022-07-21. Review status: criteria provided, single submitter. Criteria: Invitae Variant Classification Sherloc (09022015). Collection method: clinical testing. Allele origin: germline.
Comment: This sequence change replaces arginine, which is basic and polar, with tryptophan, which is neutral and slightly polar, at codon 1483 of the SNRNP200 protein (p.Arg1483Trp). This variant is not present in population databases (gnomAD no frequency). This variant has not been reported in the literature in individuals affected with SNRNP200-related conditions. Algorithms developed to predict the effect of missense changes on protein structure and function are either unavailable or do not agree on the potential impact of this missense change (SIFT: "Deleterious"; PolyPhen-2: "Possibly Damaging"; Align-GVGD: "Class C0"). In summary, the available evidence is currently insufficient to determine the role of this variant in disease. Therefore, it has been classified as a Variant of Uncertain Significance.

NM_014014.5(SNRNP200):c.4447C>T (p.Arg1483Trp)

Gene: SNRNP200 (small nuclear ribonucleoprotein U5 subunit 200; minus strand). Cytogenetic location: 2q11.2.
Variant type: single nucleotide variant.
Coding change: c.4447C>T on transcript NM_014014.5 (MANE Select); coding-DNA position 4447, C replaced by T.
Protein change: p.Arg1483Trp; replaces arginine 1483 with tryptophan.
Molecular consequence: missense variant.
Genome position (GRCh38, 1-based): chr2:96,283,950, G>A on the plus strand (C>T on the coding strand, the complement: SNRNP200 is on the minus strand). VCF-style: chr2-96283950-G-A. GRCh37 (hg19) VCF-style: chr2-96949688-G-A.
Other names: short protein forms R1483W.
Identifiers: ClinVar variation 1960260 (VCV001960260.5), dbSNP rs1388734030, ClinGen allele CA347665710.
Genomic context (GRCh38, chr2:96,283,950, plus strand): 5'-AGTGGGCCACATCCTTGGCATTGGAGAGCGAAGAGCTGAGTGCCACAATGCGAATGGGCC[G>A]CTCAATCTGGGAGGAGATGTAGCGCATTCGGGAGCAGATCACTTCTAAGACAGGCTGGAA-3'
Protein context (NP_054733.2, residues 1473-1493): RMRYISSQIE[Arg1483Trp]PIRIVALSSS